The following is an entry in ClinVar:

NM_080473.5(GATA5):c.503C>G (p.Pro168Arg)

Gene: GATA5 (GATA binding protein 5; minus strand). Cytogenetic location: 20q13.33.
Variant type: single nucleotide variant.
Coding change: c.503C>G on transcript NM_080473.5 (MANE Select); coding-DNA position 503, C replaced by G.
Protein change: p.Pro168Arg; replaces proline 168 with arginine.
Molecular consequence: missense variant.
Genome position (GRCh38, 1-based): chr20:62,475,019, G>C on the plus strand (C>G on the coding strand, the complement: GATA5 is on the minus strand). VCF-style: chr20-62475019-G-C. GRCh37 (hg19) VCF-style: chr20-61050075-G-C.
Other names: short protein forms P168R.
Identifiers: ClinVar variation 1462201 (VCV001462201.8), dbSNP rs995352294, ClinGen allele CA317288535.
Genomic context (GRCh38, chr20:62,475,019, plus strand): 5'-CCGCTCCTGGGCCCCGAGACTGTGGAGCCCCCGCACTCACCGAAGGTGGGCCTGCGGCCT[G>C]GGAGGCCGTGCAGGACGCTGCCATCGAAGGGCCCGGCAGTCCAGGACTGGGCCACGTCGG-3'
Protein context (NP_536721.1, residues 158-178): PFDGSVLHGL[Pro168Arg]GRRPTFVSDF

ClinVar aggregate classification (germline): Uncertain significance (1 of 4 stars; one submission).

Submission:

Labcorp Genetics (formerly Invitae), Labcorp
Classification: Uncertain significance. Last evaluated: 2021-04-17. Review status: criteria provided, single submitter. Criteria: Invitae Variant Classification Sherloc (09022015). Collection method: clinical testing. Allele origin: germline.
Comment: In summary, the available evidence is currently insufficient to determine the role of this variant in disease. Therefore, it has been classified as a Variant of Uncertain Significance. Algorithms developed to predict the effect of missense changes on protein structure and function are either unavailable or do not agree on the potential impact of this missense change (SIFT: "Tolerated"; PolyPhen-2: "Possibly Damaging"; Align-GVGD: "Class C0"). This variant has not been reported in the literature in individuals with GATA5-related conditions. The frequency data for this variant in the population databases is considered unreliable, as metrics indicate insufficient coverage at this position in the ExAC database. This sequence change replaces proline with arginine at codon 168 of the GATA5 protein (p.Pro168Arg). The proline residue is moderately conserved and there is a moderate physicochemical difference between proline and arginine.